The following is an entry in ClinVar:

NM_015559.3(SETBP1):c.2951G>A (p.Ser984Asn)

Gene: SETBP1 (SET binding protein 1; plus strand). Cytogenetic location: 18q12.3.
Variant type: single nucleotide variant.
Coding change: c.2951G>A on transcript NM_015559.3 (MANE Select); coding-DNA position 2951, G replaced by A.
Protein change: p.Ser984Asn; replaces serine 984 with asparagine.
Molecular consequence: missense variant.
Genome position (GRCh38, 1-based): chr18:44,952,291, G>A. VCF-style: chr18-44952291-G-A. GRCh37 (hg19) VCF-style: chr18-42532256-G-A.
Other names: c.2951G>A, p.Ser984Asn (NM_001379141.1, NM_001379142.1, NM_001410862.1); short protein forms S984N.
Identifiers: ClinVar variation 4746653 (VCV004746653.1).

ClinVar aggregate classification (germline): Uncertain significance (1 of 4 stars; one submission).

Submission:

Labcorp Genetics (formerly Invitae), Labcorp
Classification: Uncertain significance. Last evaluated: 2025-12-05. Review status: criteria provided, single submitter. Criteria: Invitae Variant Classification Sherloc (09022015). Collection method: clinical testing. Allele origin: germline.
Comment: This sequence change replaces serine, which is neutral and polar, with asparagine, which is neutral and polar, at codon 984 of the SETBP1 protein (p.Ser984Asn). This variant is not present in population databases (gnomAD no frequency). This variant has not been reported in the literature in individuals affected with SETBP1-related conditions. Invitae Evidence Modeling of protein sequence and biophysical properties (such as structural, functional, and spatial information, amino acid conservation, physicochemical variation, residue mobility, and thermodynamic stability) indicates that this missense variant is expected to disrupt SETBP1 protein function with a positive predictive value of 80%. In summary, the available evidence is currently insufficient to determine the role of this variant in disease. Therefore, it has been classified as a Variant of Uncertain Significance.